The following is an entry in ClinVar:

NM_001042492.3(NF1):c.7603A>T (p.Lys2535Ter)

Gene: NF1 (neurofibromin 1; plus strand). Cytogenetic location: 17q11.2.
Variant type: single nucleotide variant.
Coding change: c.7603A>T on transcript NM_001042492.3 (MANE Select); coding-DNA position 7603, A replaced by T.
Protein change: p.Lys2535Ter; replaces lysine 2535 with a stop codon.
Molecular consequence: nonsense.
Genome position (GRCh38, 1-based): chr17:31,352,402, A>T. VCF-style: chr17-31352402-A-T. GRCh37 (hg19) VCF-style: chr17-29679420-A-T.
Other names: c.7540A>T, p.Lys2514Ter (NM_000267.4); short protein forms K2514*, K2535*.
Identifiers: ClinVar variation 959456 (VCV000959456.6), dbSNP rs2070172476, ClinGen allele CA399017855.
Genomic context (GRCh38, chr17:31,352,402, plus strand): 5'-AGTCCCCGAGCCAGGAAATCCATGAGCCTGGACATGGGGCAACCTTCTCAGGCCAACACT[A>T]AGAAGTTGCTTGGTTAGTTTATCTAAATTATGTAGATTTTTTTTATTATTTAAAAAAATA-3'

ClinVar aggregate classification (germline): Pathogenic (1 of 4 stars; one submission).

Conditions:
Neurofibromatosis, type 1 (NF1). Also called: Peripheral type neurofibromatosis; VON RECKLINGHAUSEN DISEASE; NEUROFIBROMATOSIS, TYPE I, SOMATIC; Neurofibromatosis, type I. Identifiers: Orphanet 636, MedGen C0027831, MONDO:0018975, OMIM 162200. Disease mechanism: loss of function.

Submission:

Labcorp Genetics (formerly Invitae), Labcorp
Classification: Pathogenic for Neurofibromatosis, type 1. Last evaluated: 2019-07-25. Review status: criteria provided, single submitter. Criteria: Invitae Variant Classification Sherloc (09022015). Collection method: clinical testing. Allele origin: germline.
Comment: For these reasons, this variant has been classified as Pathogenic. This variant is not present in population databases (ExAC no frequency). This variant has not been reported in the literature in individuals with NF1-related conditions. Loss-of-function variants in NF1 are known to be pathogenic (PMID: 10712197, 23913538). This sequence change creates a premature translational stop signal (p.Lys2514*) in the NF1 gene. It is expected to result in an absent or disrupted protein product.

Literature cited by the submitters: PubMed 10712197; PubMed 23913538.